The following is an entry in ClinVar:

NM_001321759.2(CDIN1):c.776G>A (p.Arg259Gln)

Gene: CDIN1 (CDAN1 interacting nuclease 1; plus strand). Cytogenetic location: 15q14.
Variant type: single nucleotide variant.
Coding change: c.776G>A on transcript NM_001321759.2 (MANE Select); coding-DNA position 776, G replaced by A.
Protein change: p.Arg259Gln; replaces arginine 259 with glutamine.
Molecular consequence: missense variant. On other transcripts: 3 prime UTR variant (1).
Genome position (GRCh38, 1-based): chr15:36,808,383, G>A. VCF-style: chr15-36808383-G-A. GRCh37 (hg19) VCF-style: chr15-37100584-G-A.
Other names: c.776G>A, p.Arg259Gln (NM_001130010.3); c.482G>A, p.Arg161Gln (NM_001290232.2, NM_001321756.2, NM_032499.6); c.407G>A, p.Arg136Gln (NM_001321757.2); c.665G>A, p.Arg222Gln (NM_001321758.2); c.*43G>A (NM_001321760.2); c.794G>A, p.Arg265Gln (NM_001321761.2); short protein forms R265Q, R136Q, R222Q, R161Q, R259Q.
Identifiers: ClinVar variation 2136760 (VCV002136760.2), dbSNP rs753380905, ClinGen allele CA7469019.

ClinVar aggregate classification (germline): Uncertain significance (1 of 4 stars; one submission).

Allele frequency attached by ClinVar (database versions not stated): ExAC 0.00002; gnomAD 0.00004; TOPMed 0.00006.
gnomAD v4.1: 46 of 1,613,466 alleles (0.0029%); highest among the groups gnomAD compares: Middle Eastern, 0.033%; no homozygotes.

Submission:

Labcorp Genetics (formerly Invitae), Labcorp
Classification: Uncertain significance. Last evaluated: 2025-03-24. Review status: criteria provided, single submitter. Criteria: Invitae Variant Classification Sherloc (09022015). Collection method: clinical testing. Allele origin: germline.
Comment: This sequence change replaces arginine, which is basic and polar, with glutamine, which is neutral and polar, at codon 259 of the C15orf41 protein (p.Arg259Gln). This variant is present in population databases (rs753380905, gnomAD 0.01%). This variant has not been reported in the literature in individuals affected with C15orf41-related conditions. ClinVar contains an entry for this variant (Variation ID: 2136760). An algorithm developed to predict the effect of missense changes on protein structure and function (PolyPhen-2) suggests that this variant is likely to be disruptive. In summary, the available evidence is currently insufficient to determine the role of this variant in disease. Therefore, it has been classified as a Variant of Uncertain Significance.